The following is an entry in ClinVar:

NM_003590.5(CUL3):c.264+1G>A

Gene: CUL3 (cullin 3; minus strand). Cytogenetic location: 2q36.2.
Variant type: single nucleotide variant.
Coding change: c.264+1G>A on transcript NM_003590.5 (MANE Select); the canonical splice donor site of the intron after coding-DNA position 264, G replaced by A.
Molecular consequence: splice donor variant. On other transcripts: intron variant (1).
Genome position (GRCh38, 1-based): chr2:224,557,658, C>T on the plus strand (G>A on the coding strand, the complement: CUL3 is on the minus strand). VCF-style: chr2-224557658-C-T. GRCh37 (hg19) VCF-style: chr2-225422375-C-T.
Other names: c.67-22017G>A (NM_001257197.2); c.282+1G>A (NM_001257198.2).
Identifiers: ClinVar variation 5020053 (VCV005020053.1).
Genomic context (GRCh38, chr2:224,557,658, plus strand): 5'-TGGTATAAAGGATTTTCTACATTCAATATAGTATTAGCAACAGTCCTTTAAAGTTTGATA[C>T]CTTATTTATGAGATGTTCGGTAACAACTTCTCTTAGTCCAGTGTAGAGCTTTTCTCCATG-3'

ClinVar aggregate classification (germline): Uncertain significance (1 of 4 stars; one submission).

Conditions:
Neurodevelopmental disorder with or without autism or seizures (NEDAUS). Identifiers: MedGen C5543225, MONDO:0030994, OMIM 619239.
Pseudohypoaldosteronism type 2E (PHA2E). Also called: Pseudohypoaldosteronism Type IIE. Identifiers: Orphanet 300530, Orphanet 757, MedGen C3469606, MONDO:0013782, OMIM 614496.

Submission:

Juno Genomics, Hangzhou Juno Genomics, Inc
Classification: Uncertain significance for Neurodevelopmental disorder with or without autism or seizures; Pseudohypoaldosteronism type 2E. Review status: criteria provided, single submitter. Criteria: ACMG Guidelines, 2015. Collection method: clinical testing. Allele origin: germline. Affected: yes.
Comment: Absent from controls (or at extremely low frequency if recessive) in Genome Aggregation Database.;Null variant in a gene where loss of function (LOF) is a known mechanism of disease.;De novo (both maternity and paternity confirmed) in a patient with the disease and no family history.